The following is an entry in ClinVar:

NM_015166.4(MLC1):c.*1764G>T

Gene: MLC1 (modulator of VRAC current 1; minus strand). Cytogenetic location: 22q13.33.
Variant type: single nucleotide variant.
Coding change: c.*1764G>T on transcript NM_015166.4 (MANE Select); 1764 bases downstream of the stop codon, G replaced by T.
Molecular consequence: 3 prime UTR variant. On other transcripts: non-coding transcript variant (3).
Genome position (GRCh38, 1-based): chr22:50,059,819, C>A on the plus strand (G>T on the coding strand, the complement: MLC1 is on the minus strand). VCF-style: chr22-50059819-C-A. GRCh37 (hg19) VCF-style: chr22-50498248-C-A.
Other names: NC_000022.10:g.50498248C>A; c.*1764G>T (NM_001376472.1, NM_001376473.1, NM_001376474.1 and 9 more transcripts); c.*379G>T (NM_001376477.1, NM_001376478.1).
Identifiers: ClinVar variation 342078 (VCV000342078.7), dbSNP rs41283489, ClinGen allele CA10645733.
Genomic context (GRCh38, chr22:50,059,819, plus strand): 5'-GCTGTGGCCAAAGTGTTTGCCCGGCCCCTGACTGTGTCCTTCCGGAGCTGCCGAGGACTG[C>A]AGAGAGGGCCTGGCTTGTCCCCTCTAGGAGCAGCTGGGAAGGTGTCTTGCCTGCATCCCC-3'

ClinVar aggregate classification (germline): Benign. Review status: criteria provided, multiple submitters, no conflicts (2 of 4 stars). 2 submissions from 2 submitters: Benign (2). Last evaluated 2018-01-12.

Conditions:
Megalencephalic leukoencephalopathy with subcortical cysts 1 (MLC1). Also called: LEUKOENCEPHALOPATHY WITH SWELLING AND CYSTS; VACUOLATING MEGALENCEPHALIC LEUKOENCEPHALOPATHY WITH SUBCORTICAL CYSTS. Identifiers: Orphanet 2478, MedGen C5779875, MONDO:0024555, OMIM 604004.

Allele frequency attached by ClinVar (database versions not stated): 1000 Genomes Project 30x 0.06699; 1000 Genomes Project 0.07069; TOPMed 0.11510; gnomAD 0.12951 and 0.13206; gnomAD exomes 0.14865.
gnomAD v4.1: 19,836 of 152,392 alleles (13%); highest among the groups gnomAD compares: Non-Finnish European, 19%; 1,696 homozygotes.

Submissions (5):

Illumina Laboratory Services, Illumina
Classification: Benign for Megalencephalic leukoencephalopathy with subcortical cysts 1. Last evaluated: 2018-01-12. Review status: criteria provided, single submitter. Criteria: ICSL Variant Classification Criteria 13 December 2019. Collection method: clinical testing. Allele origin: germline.
Comment: This variant was observed in the ICSL laboratory as part of a predisposition screen in an ostensibly healthy population. It had not been previously curated by ICSL or reported in the Human Gene Mutation Database (HGMD: prior to June 1st, 2018), and was therefore a candidate for classification through an automated scoring system. Utilizing variant allele frequency, disease prevalence and penetrance estimates, and inheritance mode, an automated score was calculated to assess if this variant is too frequent to cause the disease. Based on the score and internal cut-off values, a variant classified as benign is not then subjected to further curation. The score for this variant resulted in a classification of benign for this disease.

Breakthrough Genomics
Classification: Benign. Review status: criteria provided, single submitter. Criteria: ACMG Guidelines, 2015. Collection method: not provided. Allele origin: germline. Inheritance: Autosomal recessive inheritance. Affected: yes.

Dr. Peter K. Rogan Lab, Western University
No classification provided (evidence only). Condition: Acute myeloid leukemia. Review status: no classification provided. Collection method: in vitro. Allele origin: not applicable. Functional consequence: retained intron. Not counted in ClinVar's aggregate classification.

Dr. Peter K. Rogan Lab, Western University
No classification provided (evidence only). Condition: Acute myeloid leukemia. Review status: no classification provided. Collection method: in vitro. Allele origin: not applicable. Functional consequence: retained intron. Not counted in ClinVar's aggregate classification.

Dr. Peter K. Rogan Lab, Western University
No classification provided (evidence only). Condition: Acute myeloid leukemia. Review status: no classification provided. Collection method: in vitro. Allele origin: not applicable. Functional consequence: retained intron. Not counted in ClinVar's aggregate classification.